The following is an entry in ClinVar:

ClinVar aggregate classification (germline): Pathogenic. Review status: criteria provided, multiple submitters, no conflicts (2 of 4 stars). 2 submissions from 2 submitters: Pathogenic (2). Last evaluated 2026-02-09.

Conditions:
Deficiency of UDPglucose-hexose-1-phosphate uridylyltransferase. Also called: GALACTOSE-1-PHOSPHATE URIDYLYLTRANSFERASE DEFICIENCY; GALT deficiency; Galactosemia, classic; Transferase Deficiency Galactosemia; GALACTOSEMIA I. Identifiers: Orphanet 352, Orphanet 79239, MedGen C0268151, MONDO:0009258, OMIM 230400.

Submissions (2):

Women's Health and Genetics/Laboratory Corporation of America, LabCorp
Classification: Pathogenic for Deficiency of UDPglucose-hexose-1-phosphate uridylyltransferase. Last evaluated: 2026-02-09. Review status: criteria provided, single submitter. Criteria: LabCorp Variant Classification Summary - May 2015. Collection method: clinical testing. Allele origin: germline.
Comment: Variant summary: GALT c.260C>G (p.Pro87Arg) results in a non-conservative amino acid change in the encoded protein sequence. Algorithms developed to predict the effect of missense changes on protein structure and function all suggest that this variant is likely to be disruptive. The variant was absent in 251490 control chromosomes. The available data on variant occurrences in the general population are insufficient to allow any conclusion about variant significance. c.260C>G has been observed in at least 1 individual(s) affected with Galactosemia (internal data). To our knowledge, no experimental evidence demonstrating an impact on protein function has been reported. ClinVar contains an entry for this variant (Variation ID: 2732172). Another variant affecting Pro87 (Pro87Leu) has been reported. Based on the evidence outlined above, the variant was classified as pathogenic.

Labcorp Genetics (formerly Invitae), Labcorp
Classification: Pathogenic for Deficiency of UDPglucose-hexose-1-phosphate uridylyltransferase. Last evaluated: 2023-10-05. Review status: criteria provided, single submitter. Criteria: Invitae Variant Classification Sherloc (09022015). Collection method: clinical testing. Allele origin: germline.
Comment: This sequence change replaces proline, which is neutral and non-polar, with arginine, which is basic and polar, at codon 87 of the GALT protein (p.Pro87Arg). This variant is not present in population databases (gnomAD no frequency). This missense change has been observed in individual(s) with GALT-related conditions (Invitae). In at least one individual the data is consistent with being in trans (on the opposite chromosome) from a pathogenic variant. Advanced modeling of protein sequence and biophysical properties (such as structural, functional, and spatial information, amino acid conservation, physicochemical variation, residue mobility, and thermodynamic stability) performed at Invitae indicates that this missense variant is expected to disrupt GALT protein function. This variant disrupts the p.Pro87 amino acid residue in GALT. Other variant(s) that disrupt this residue have been determined to be pathogenic (PMID: 34030713). This suggests that this residue is clinically significant, and that variants that disrupt this residue are likely to be disease-causing. For these reasons, this variant has been classified as Pathogenic.

Literature cited by the submitters: PubMed 34030713 (cited by Labcorp Genetics (formerly Invitae), Labcorp).

NM_000155.4(GALT):c.260C>G (p.Pro87Arg)

Gene: GALT (galactose-1-phosphate uridylyltransferase; plus strand). Cytogenetic location: 9p13.3.
Variant type: single nucleotide variant.
Coding change: c.260C>G on transcript NM_000155.4 (MANE Select); coding-DNA position 260, C replaced by G.
Protein change: p.Pro87Arg; replaces proline 87 with arginine.
Molecular consequence: missense variant. On other transcripts: intron variant (1).
Genome position (GRCh38, 1-based): chr9:34,647,499, C>G. VCF-style: chr9-34647499-C-G. GRCh37 (hg19) VCF-style: chr9-34647496-C-G.
Other names: c.50+241C>G (NM_001258332.2); short protein forms P87R.
Identifiers: ClinVar variation 2732172 (VCV002732172.4), dbSNP rs2492863998, ClinGen allele CA373279089.